The following is an entry in ClinVar:

ClinVar aggregate classification (germline): Uncertain significance (1 of 4 stars; one submission).

Allele frequency attached by ClinVar (database versions not stated): gnomAD exomes below 0.00001.
gnomAD v4.1: 6 of 1,613,264 alleles (0.00037%); highest among the groups gnomAD compares: Admixed American, 0.0017%; no homozygotes.

Submission:

Labcorp Genetics (formerly Invitae), Labcorp
Classification: Uncertain significance. Last evaluated: 2025-09-08. Review status: criteria provided, single submitter. Criteria: Invitae Variant Classification Sherloc (09022015). Collection method: clinical testing. Allele origin: germline.
Comment: This sequence change replaces glutamic acid, which is acidic and polar, with glycine, which is neutral and non-polar, at codon 1056 of the NBAS protein (p.Glu1056Gly). This variant is present in population databases (no rsID available, gnomAD 0.003%). This variant has not been reported in the literature in individuals affected with NBAS-related conditions. ClinVar contains an entry for this variant (Variation ID: 1946774). Invitae Evidence Modeling of protein sequence and biophysical properties (such as structural, functional, and spatial information, amino acid conservation, physicochemical variation, residue mobility, and thermodynamic stability) indicates that this missense variant is not expected to disrupt NBAS protein function with a negative predictive value of 95%. In summary, the available evidence is currently insufficient to determine the role of this variant in disease. Therefore, it has been classified as a Variant of Uncertain Significance.

NM_015909.4(NBAS):c.3167A>G (p.Glu1056Gly)

Gene: NBAS (NBAS subunit of NRZ tethering complex; minus strand). Cytogenetic location: 2p24.3.
Variant type: single nucleotide variant.
Coding change: c.3167A>G on transcript NM_015909.4 (MANE Select); coding-DNA position 3167, A replaced by G.
Protein change: p.Glu1056Gly; replaces glutamic acid 1056 with glycine.
Molecular consequence: missense variant. On other transcripts: non-coding transcript variant (1).
Genome position (GRCh38, 1-based): chr2:15,394,317, T>C on the plus strand (A>G on the coding strand, the complement: NBAS is on the minus strand). VCF-style: chr2-15394317-T-C. GRCh37 (hg19) VCF-style: chr2-15534441-T-C.
Other names: short protein forms E1056G.
Identifiers: ClinVar variation 1946774 (VCV001946774.4), dbSNP rs1484511508, ClinGen allele CA345880743.
Genomic context (GRCh38, chr2:15,394,317, plus strand): 5'-ATCAGCTTGCGTGCCTCTTCTGAGCTAGATTGAGTGTTTTTAACAAATGAAATTGGTTTC[T>C]CGAGTCCATGTTTTTCCAAAAGCTCTGACACACTATAAGTGAAAAAAGAATTATTTAATG-3'
Protein context (NP_056993.2, residues 1046-1066): VSELLEKHGL[Glu1056Gly]KPISFVKNTQ